The following is an entry in ClinVar:

ClinVar aggregate classification (germline): Uncertain significance. Review status: criteria provided, multiple submitters, no conflicts (2 of 4 stars). 2 submissions from 2 submitters: Uncertain significance (2). Last evaluated 2021-08-24.

Conditions:
Hereditary cancer-predisposing syndrome. Also called: Neoplastic Syndromes, Hereditary; Tumor predisposition; Hereditary Cancer Syndrome; Hereditary neoplastic syndrome. Identifiers: Orphanet 140162, MedGen C0027672, MeSH D009386, MONDO:0015356.
Familial adenomatous polyposis 1 (FAP1). Also called: FAMILIAL ADENOMATOUS POLYPOSIS 1, ATTENUATED; POLYPOSIS, ADENOMATOUS INTESTINAL. Identifiers: MedGen C2713442, MONDO:0021056, OMIM 175100. Disease mechanism: loss of function.

Submissions (2):

Ambry Genetics
Classification: Uncertain significance for Hereditary cancer-predisposing syndrome. Last evaluated: 2021-08-24. Review status: criteria provided, single submitter. Criteria: Ambry Variant Classification Scheme 2023. Collection method: clinical testing. Allele origin: germline.
Comment: The p.A1753S variant (also known as c.5257G>T), located in coding exon 15 of the APC gene, results from a G to T substitution at nucleotide position 5257. The alanine at codon 1753 is replaced by serine, an amino acid with similar properties. This amino acid position is well conserved in available vertebrate species. In addition, in silico predictors for this gene do not accurately predict pathogenicity. Since supporting evidence is limited at this time, the clinical significance of this alteration remains unclear.

Labcorp Genetics (formerly Invitae), Labcorp
Classification: Uncertain significance for Familial adenomatous polyposis 1. Last evaluated: 2019-04-30. Review status: criteria provided, single submitter. Criteria: Invitae Variant Classification Sherloc (09022015). Collection method: clinical testing. Allele origin: germline.
Comment: In summary, the available evidence is currently insufficient to determine the role of this variant in disease. Therefore, it has been classified as a Variant of Uncertain Significance. Algorithms developed to predict the effect of missense changes on protein structure and function (SIFT, PolyPhen-2, Align-GVGD) all suggest that this variant is likely to be tolerated, but these predictions have not been confirmed by published functional studies and their clinical significance is uncertain. This variant has not been reported in the literature in individuals with APC-related conditions. ClinVar contains an entry for this variant (Variation ID: 186436). This variant is not present in population databases (ExAC no frequency). This sequence change replaces alanine with serine at codon 1753 of the APC protein (p.Ala1753Ser). The alanine residue is highly conserved and there is a moderate physicochemical difference between alanine and serine.

NM_000038.6(APC):c.5257G>T (p.Ala1753Ser)

Gene: APC (APC regulator of Wnt signaling pathway; plus strand). Cytogenetic location: 5q22.2.
Variant type: single nucleotide variant.
Coding change: c.5257G>T on transcript NM_000038.6 (MANE Select); coding-DNA position 5257, G replaced by T.
Protein change: p.Ala1753Ser; replaces alanine 1753 with serine.
Molecular consequence: missense variant.
Genome position (GRCh38, 1-based): chr5:112,840,851, G>T. VCF-style: chr5-112840851-G-T. GRCh37 (hg19) VCF-style: chr5-112176548-G-T.
Other names: c.5257G>T, p.Ala1753Ser (NM_001127510.3, NM_001354895.2); c.5203G>T, p.Ala1735Ser (NM_001127511.3); c.5311G>T, p.Ala1771Ser (NM_001354896.2); c.5287G>T, p.Ala1763Ser (NM_001354897.2); c.5182G>T, p.Ala1728Ser (NM_001354898.2); c.5173G>T, p.Ala1725Ser (NM_001354899.2); c.5134G>T, p.Ala1712Ser (NM_001354900.2); c.5080G>T, p.Ala1694Ser (NM_001354901.2); and 5 more; short protein forms A1735S, A1753S, A1593S, A1627S, A1652S, A1725S, A1763S, A1712S.
Identifiers: ClinVar variation 186436 (VCV000186436.16), dbSNP rs587781350, ClinGen allele CA009977.